The following is an entry in ClinVar:

NM_015215.4(CAMTA1):c.578del (p.Gly193fs)

Gene: CAMTA1 (calmodulin binding transcription activator 1; plus strand). Cytogenetic location: 1p36.23.
Variant type: Deletion.
Coding change: c.578del on transcript NM_015215.4 (MANE Select); coding-DNA position 578, one base deleted (G; older notation c.578delG).
Protein change: p.Gly193fs; shifts the reading frame from glycine 193.
Molecular consequence: frameshift variant.
Genome position (GRCh38, 1-based): chr1:7,640,467, G deleted; the last of 2 consecutive G bases (chr1:7,640,466-7,640,467); deleting either gives the same sequence. VCF-style (leftmost placement, unchanged base first): chr1-7640465-CG-C. GRCh37 (hg19) VCF-style: chr1-7700525-CG-C.
Other names: c.488del, p.Gly163fs (NM_001349608.2, NM_001349612.2); c.578del, p.Gly193fs (NM_001349609.2, NM_001349610.2, NM_001410737.1); c.506del, p.Gly169fs (NM_001410738.1); short protein forms G163fs, G169fs, G193fs.
Identifiers: ClinVar variation 3376151 (VCV003376151.3).

ClinVar aggregate classification (germline): Pathogenic (1 of 4 stars; one submission).

Conditions:
Cerebellar dysfunction with variable cognitive and behavioral abnormalities (CECBA). Also called: Nonprogressive cerebellar atxia with intellectual disability. Identifiers: Orphanet 314647, MedGen C3553661, MONDO:0013886, OMIM 614756.

Submission:

Institute of Human Genetics, University of Leipzig Medical Center
Classification: Pathogenic for Cerebellar dysfunction with variable cognitive and behavioral abnormalities. Last evaluated: 2024-10-29. Review status: criteria provided, single submitter. Criteria: ACMG Guidelines, 2015. Collection method: clinical testing. Allele origin: unknown. Inheritance: Autosomal dominant inheritance. Affected: yes.
Comment: Criteria applied: PVS1,PM2